The following is an entry in ClinVar:

NM_015450.3(POT1):c.182T>C (p.Leu61Pro)

Gene: POT1 (protection of telomeres 1; minus strand). Cytogenetic location: 7q31.33.
Variant type: single nucleotide variant.
Coding change: c.182T>C on transcript NM_015450.3 (MANE Select); coding-DNA position 182, T replaced by C.
Protein change: p.Leu61Pro; replaces leucine 61 with proline.
Molecular consequence: missense variant. On other transcripts: non-coding transcript variant (3), intron variant (1).
Genome position (GRCh38, 1-based): chr7:124,870,984, A>G on the plus strand (T>C on the coding strand, the complement: POT1 is on the minus strand). VCF-style: chr7-124870984-A-G. GRCh37 (hg19) VCF-style: chr7-124511038-A-G.
Other names: c.182T>C (NM_015450.2); c.-138-7344T>C (NM_001042594.2); short protein forms L61P.
Identifiers: ClinVar variation 999327 (VCV000999327.10), dbSNP rs1795853859, ClinGen allele CA369061537.

ClinVar aggregate classification (germline): Uncertain significance. Review status: criteria provided, multiple submitters, no conflicts (2 of 4 stars). 2 submissions from 2 submitters: Uncertain significance (2). Last evaluated 2023-09-18.

Conditions:
Hereditary cancer-predisposing syndrome. Also called: Neoplastic Syndromes, Hereditary; Hereditary Cancer Syndrome; Hereditary neoplastic syndrome; Tumor predisposition. Identifiers: Orphanet 140162, MedGen C0027672, MeSH D009386, MONDO:0015356.
Tumor predisposition syndrome 3 (TPDS3). Also called: Glioma susceptibility 9; LONG TELOMERE SYNDROME, POT1-RELATED; POT1 Tumor Predisposition; Melanoma, cutaneous malignant, susceptibility to, 10. Identifiers: Orphanet 618, MedGen C4014476, MONDO:0014368, OMIM 615848.

Submissions (2):

Ambry Genetics
Classification: Uncertain significance for Hereditary cancer-predisposing syndrome. Last evaluated: 2023-09-18. Review status: criteria provided, single submitter. Criteria: Ambry Variant Classification Scheme 2023. Collection method: clinical testing. Allele origin: germline.
Comment: The p.L61P variant (also known as c.182T>C), located in coding exon 3 of the POT1 gene, results from a T to C substitution at nucleotide position 182. The leucine at codon 61 is replaced by proline, an amino acid with similar properties. This amino acid position is conserved. In addition, this alteration is predicted to be deleterious by in silico analysis. Since supporting evidence is limited at this time, the clinical significance of this alteration remains unclear.

Labcorp Genetics (formerly Invitae), Labcorp
Classification: Uncertain significance for Tumor predisposition syndrome 3. Last evaluated: 2022-04-07. Review status: criteria provided, single submitter. Criteria: Invitae Variant Classification Sherloc (09022015). Collection method: clinical testing. Allele origin: germline.
Comment: This variant has not been reported in the literature in individuals affected with POT1-related conditions. In summary, the available evidence is currently insufficient to determine the role of this variant in disease. Therefore, it has been classified as a Variant of Uncertain Significance. Algorithms developed to predict the effect of missense changes on protein structure and function are either unavailable or do not agree on the potential impact of this missense change (SIFT: "Deleterious"; PolyPhen-2: "Probably Damaging"; Align-GVGD: "Class C0"). ClinVar contains an entry for this variant (Variation ID: 999327). This variant is not present in population databases (gnomAD no frequency). This sequence change replaces leucine, which is neutral and non-polar, with proline, which is neutral and non-polar, at codon 61 of the POT1 protein (p.Leu61Pro).